The following is an entry in ClinVar:

NM_005633.4(SOS1):c.1961A>G (p.Glu654Gly)

Gene: SOS1 (SOS Ras/Rac guanine nucleotide exchange factor 1; minus strand). Cytogenetic location: 2p22.1.
Variant type: single nucleotide variant.
Coding change: c.1961A>G on transcript NM_005633.4 (MANE Select); coding-DNA position 1961, A replaced by G.
Protein change: p.Glu654Gly; replaces glutamic acid 654 with glycine.
Molecular consequence: missense variant.
Genome position (GRCh38, 1-based): chr2:39,013,969, T>C on the plus strand (A>G on the coding strand, the complement: SOS1 is on the minus strand). VCF-style: chr2-39013969-T-C. GRCh37 (hg19) VCF-style: chr2-39241110-T-C.
Other names: c.1940A>G, p.Glu647Gly (NM_001382394.1); c.1961A>G, p.Glu654Gly (NM_001382395.1); c.1961A>G (NM_005633.3); short protein forms E647G, E654G.
Identifiers: ClinVar variation 1364681 (VCV001364681.8), dbSNP rs1669546886, ClinGen allele CA346364974.
Genomic context (GRCh38, chr2:39,013,969, plus strand): 5'-AGTTCTGCACTCAAGGGTTGATCTCCATTCTCTATAGCTATGCGATCAGCTTCTGTTGGC[T>C]CAGGCTCTGGAATTTCAAACCTAACATAAAATAGAACAAATTAATGAAAAGACTAATTAT-3'
Protein context (NP_005624.2, residues 644-664): IIERFEIPEP[Glu654Gly]PTEADRIAIE

ClinVar aggregate classification (germline): Uncertain significance. Review status: criteria provided, multiple submitters, no conflicts (2 of 4 stars). 2 submissions from 2 submitters: Uncertain significance (2). Last evaluated 2026-05-23.

Conditions:
Cardiovascular phenotype. Identifiers: MedGen CN230736.
RASopathy. Also called: Noonan spectrum disorder; rasopathies. Identifiers: Orphanet 536391, MedGen C5555857, MONDO:0021060.

Allele frequency attached by ClinVar (database versions not stated): gnomAD exomes below 0.00001.
gnomAD v4.1: 3 of 1,605,498 alleles (0.00019%); highest among the groups gnomAD compares: Non-Finnish European, 0.00026%; no homozygotes.

Submissions (2):

Ambry Genetics
Classification: Uncertain significance for Cardiovascular phenotype. Last evaluated: 2026-05-23. Review status: criteria provided, single submitter. Criteria: Ambry Variant Classification Scheme 2023. Collection method: clinical testing. Allele origin: germline.
Comment: The p.E654G variant (also known as c.1961A>G), located in coding exon 12 of the SOS1 gene, results from an A to G substitution at nucleotide position 1961. The glutamic acid at codon 654 is replaced by glycine, an amino acid with similar properties. This amino acid position is conserved. In addition, this alteration is predicted to be tolerated by in silico analysis. Based on the available evidence, the clinical significance of this variant remains unclear.

Labcorp Genetics (formerly Invitae), Labcorp
Classification: Uncertain significance for RASopathy. Last evaluated: 2025-02-09. Review status: criteria provided, single submitter. Criteria: Invitae Variant Classification Sherloc (09022015). Collection method: clinical testing. Allele origin: germline.
Comment: This sequence change replaces glutamic acid, which is acidic and polar, with glycine, which is neutral and non-polar, at codon 654 of the SOS1 protein (p.Glu654Gly). This variant is not present in population databases (gnomAD no frequency). This variant has not been reported in the literature in individuals affected with SOS1-related conditions. ClinVar contains an entry for this variant (Variation ID: 1364681). Invitae Evidence Modeling of protein sequence and biophysical properties (such as structural, functional, and spatial information, amino acid conservation, physicochemical variation, residue mobility, and thermodynamic stability) has been performed for this missense variant. However, the output from this modeling did not meet the statistical confidence thresholds required to predict the impact of this variant on SOS1 protein function. In summary, the available evidence is currently insufficient to determine the role of this variant in disease. Therefore, it has been classified as a Variant of Uncertain Significance.